The following is an entry in ClinVar:

NM_025074.7(FRAS1):c.8342G>A (p.Arg2781His)

Gene: FRAS1 (Fraser extracellular matrix complex subunit 1; plus strand). Cytogenetic location: 4q21.21.
Variant type: single nucleotide variant.
Coding change: c.8342G>A on transcript NM_025074.7 (MANE Select); coding-DNA position 8342, G replaced by A.
Protein change: p.Arg2781His; replaces arginine 2781 with histidine.
Molecular consequence: missense variant.
Genome position (GRCh38, 1-based): chr4:78,479,617, G>A. VCF-style: chr4-78479617-G-A. GRCh37 (hg19) VCF-style: chr4-79400771-G-A.
Other names: c.8342G>A (NM_025074.6); short protein forms R2781H.
Identifiers: ClinVar variation 1048847 (VCV001048847.6), dbSNP rs373377563, ClinGen allele CA2978332.

ClinVar aggregate classification (germline): Uncertain significance. Review status: criteria provided, multiple submitters, no conflicts (2 of 4 stars). 3 submissions from 3 submitters: Uncertain significance (2). 1 of the submissions does not count toward it. Last evaluated 2024-06-19.

Conditions:
Inborn genetic diseases. Identifiers: MedGen C0950123, MeSH D030342.

Allele frequency attached by ClinVar (database versions not stated): TOPMed 0.00003; gnomAD 0.00004; ESP Exome Variant Server 0.00016.
gnomAD v4.1: 62 of 1,613,866 alleles (0.0038%); highest among the groups gnomAD compares: Non-Finnish European, 0.0048%; no homozygotes.

Submissions (3):

Labcorp Genetics (formerly Invitae), Labcorp
Classification: Uncertain significance. Last evaluated: 2024-06-19. Review status: criteria provided, single submitter. Criteria: Invitae Variant Classification Sherloc (09022015). Collection method: clinical testing. Allele origin: germline.
Comment: This sequence change replaces arginine, which is basic and polar, with histidine, which is basic and polar, at codon 2781 of the FRAS1 protein (p.Arg2781His). This variant is present in population databases (rs373377563, gnomAD 0.004%). This variant has not been reported in the literature in individuals affected with FRAS1-related conditions. ClinVar contains an entry for this variant (Variation ID: 1048847). Advanced modeling of protein sequence and biophysical properties (such as structural, functional, and spatial information, amino acid conservation, physicochemical variation, residue mobility, and thermodynamic stability) performed at Invitae indicates that this missense variant is not expected to disrupt FRAS1 protein function with a negative predictive value of 80%. In summary, the available evidence is currently insufficient to determine the role of this variant in disease. Therefore, it has been classified as a Variant of Uncertain Significance.

Ambry Genetics
Classification: Uncertain significance for Inborn genetic diseases. Last evaluated: 2022-07-13. Review status: criteria provided, single submitter. Criteria: Ambry Variant Classification Scheme 2023. Collection method: clinical testing. Allele origin: germline.

Department of Pathology and Laboratory Medicine, Sinai Health System
Classification: Uncertain significance. Review status: no assertion criteria provided. Collection method: clinical testing. Allele origin: unknown. Affected: yes. Study: The Canadian Open Genetics Repository (COGR). Not counted in ClinVar's aggregate classification.
Comment: The FRAS1 p.Arg2781His variant was not identified in the literature nor was it identified in ClinVar. The variant was identified in dbSNP (ID: rs373377563) and in control databases in 4 of 247416 chromosomes at a frequency of 0.00001617 (Genome Aggregation Database March 6, 2019, v2.1.1). The variant was observed in the European (non-Finnish) population in 4 of 111342 chromosomes (freq: 0.000036), but was not observed in the African, Latino, Ashkenazi Jewish, East Asian, European (Finnish), Other, or South Asian populations. The p.Arg2781 residue is not conserved in mammals and computational analyses (PolyPhen-2, SIFT, AlignGVGD, BLOSUM, MutationTaster) provide inconsistent predictions regarding the impact to the protein; this information is not very predictive of pathogenicity. The variant occurs outside of the splicing consensus sequence and in silico or computational prediction software programs (SpliceSiteFinder, MaxEntScan, NNSPLICE, GeneSplicer) do not predict a difference in splicing. In summary, based on the above information the clinical significance of this variant cannot be determined with certainty at this time. This variant is classified as a variant of uncertain significance.